The following is an entry in ClinVar:

ClinVar aggregate classification (germline): Likely pathogenic (1 of 4 stars; one submission).

Conditions:
Joubert syndrome and related disorders. Identifiers: Orphanet 140874, MedGen C5679612, MONDO:0015369.

Submission:

Women's Health and Genetics/Laboratory Corporation of America, LabCorp
Classification: Likely pathogenic for Joubert syndrome and related disorders. Last evaluated: 2022-03-17. Review status: criteria provided, single submitter. Criteria: LabCorp Variant Classification Summary - May 2015. Collection method: clinical testing. Allele origin: germline.
Comment: Variant summary: AHI1 c.917delA (p.Lys306ArgfsX21) results in a premature termination codon, predicted to cause a truncation of the encoded protein or absence of the protein due to nonsense mediated decay, which are commonly known mechanisms for disease. Truncations around- and downstream of this position have been reported in affected individuals (HGMD). The variant was absent in 232532 control chromosomes (gnomAD). To our knowledge, no occurrence of c.917delA in individuals affected with Joubert Syndrome and Related Disorders and no experimental evidence demonstrating its impact on protein function have been reported. No clinical diagnostic laboratories have submitted clinical-significance assessments for this variant to ClinVar after 2014. Based on the evidence outlined above, the variant was classified as likely pathogenic.

NM_001134831.2(AHI1):c.917del (p.Lys306fs)

Gene: AHI1 (Abelson helper integration site 1; minus strand). Cytogenetic location: 6q23.3.
Variant type: Deletion.
Coding change: c.917del on transcript NM_001134831.2 (MANE Select); coding-DNA position 917, one base deleted (A; older notation c.917delA).
Protein change: p.Lys306fs; shifts the reading frame from lysine 306.
Molecular consequence: frameshift variant.
Genome position (GRCh38, 1-based): chr6:135,463,139, T deleted on the plus strand (A on the coding strand, the reverse complement: AHI1 is on the minus strand); the first of 6 consecutive T bases (chr6:135,463,139-135,463,144); deleting any one gives the same sequence. VCF-style (leftmost placement, unchanged base first): chr6-135463138-CT-C. GRCh37 (hg19) VCF-style: chr6-135784276-CT-C.
Other names: c.917del, p.Lys306fs (NM_001134830.2, NM_001134832.2, NM_001350503.2 and 2 more transcripts); short protein forms K306fs.
Identifiers: ClinVar variation 1677126 (VCV001677126.1), dbSNP rs1181159671, ClinGen allele CA917866938.